The following is an entry in ClinVar:

ClinVar aggregate classification (germline): Uncertain significance. Review status: criteria provided, multiple submitters, no conflicts (2 of 4 stars). 2 submissions from 2 submitters: Uncertain significance (2). Last evaluated 2024-07-25.

Conditions:
Hyperekplexia 2 (HKPX2). Identifiers: Orphanet 3197, MedGen C3553291, MONDO:0013828, OMIM 614619.
Inborn genetic diseases. Identifiers: MedGen C0950123, MeSH D030342.

Submissions (2):

Ambry Genetics
Classification: Uncertain significance for Inborn genetic diseases. Last evaluated: 2024-07-25. Review status: criteria provided, single submitter. Criteria: Ambry Variant Classification Scheme 2023. Collection method: clinical testing. Allele origin: germline.

Labcorp Genetics (formerly Invitae), Labcorp
Classification: Uncertain significance for Hyperekplexia 2. Last evaluated: 2021-03-15. Review status: criteria provided, single submitter. Criteria: Invitae Variant Classification Sherloc (09022015). Collection method: clinical testing. Allele origin: germline.
Comment: In summary, the available evidence is currently insufficient to determine the role of this variant in disease. Therefore, it has been classified as a Variant of Uncertain Significance. This sequence change replaces leucine with valine at codon 12 of the GLRB protein (p.Leu12Val). The leucine residue is moderately conserved and there is a small physicochemical difference between leucine and valine. This variant is not present in population databases (ExAC no frequency). This variant has not been reported in the literature in individuals with GLRB-related conditions. Algorithms developed to predict the effect of missense changes on protein structure and function (SIFT, PolyPhen-2, Align-GVGD) all suggest that this variant is likely to be tolerated, but these predictions have not been confirmed by published functional studies and their clinical significance is uncertain.

NM_000824.5(GLRB):c.34T>G (p.Leu12Val)

Gene: GLRB (glycine receptor beta; plus strand). Cytogenetic location: 4q32.1.
Variant type: single nucleotide variant.
Coding change: c.34T>G on transcript NM_000824.5 (MANE Select); coding-DNA position 34, T replaced by G.
Protein change: p.Leu12Val; replaces leucine 12 with valine.
Molecular consequence: missense variant.
Genome position (GRCh38, 1-based): chr4:157,078,058, T>G. VCF-style: chr4-157078058-T-G. GRCh37 (hg19) VCF-style: chr4-157999210-T-G.
Other names: c.34T>G, p.Leu12Val (NM_001166060.2, NM_001166061.2); c.34T>G (NM_000824.4); short protein forms L12V.
Identifiers: ClinVar variation 1023886 (VCV001023886.9), dbSNP rs1734101642, ClinGen allele CA358640912.